The following is an entry in ClinVar:

NM_001845.6(COL4A1):c.1796A>G (p.Asp599Gly)

Gene: COL4A1 (collagen type IV alpha 1 chain; minus strand). Cytogenetic location: 13q34.
Variant type: single nucleotide variant.
Coding change: c.1796A>G on transcript NM_001845.6 (MANE Select); coding-DNA position 1796, A replaced by G.
Protein change: p.Asp599Gly; replaces aspartic acid 599 with glycine.
Molecular consequence: missense variant.
Genome position (GRCh38, 1-based): chr13:110,186,486, T>C on the plus strand (A>G on the coding strand, the complement: COL4A1 is on the minus strand). VCF-style: chr13-110186486-T-C. GRCh37 (hg19) VCF-style: chr13-110838833-T-C.
Other names: short protein forms D599G.
Identifiers: ClinVar variation 2634926 (VCV002634926.4), dbSNP rs895814010, ClinGen allele CA256264958.

ClinVar aggregate classification (germline): Uncertain significance. Review status: criteria provided, multiple submitters, no conflicts (2 of 4 stars). 2 submissions from 2 submitters: Uncertain significance (2). Last evaluated 2023-08-22.

Conditions:
COL4A1-related disorder. Also called: COL4A1-related disorders; COL4A1-related condition. Identifiers: MedGen CN376119, MONDO:0800461.

Submissions (2):

Labcorp Genetics (formerly Invitae), Labcorp
Classification: Uncertain significance. Last evaluated: 2023-08-22. Review status: criteria provided, single submitter. Criteria: Invitae Variant Classification Sherloc (09022015). Collection method: clinical testing. Allele origin: germline.
Comment: In summary, the available evidence is currently insufficient to determine the role of this variant in disease. Therefore, it has been classified as a Variant of Uncertain Significance. An algorithm developed to predict the effect of missense changes on protein structure and function (PolyPhen-2) suggests that this variant is likely to be tolerated. This variant has not been reported in the literature in individuals affected with COL4A1-related conditions. This variant is not present in population databases (gnomAD no frequency). This sequence change replaces aspartic acid, which is acidic and polar, with glycine, which is neutral and non-polar, at codon 599 of the COL4A1 protein (p.Asp599Gly).

PreventionGenetics, part of Exact Sciences
Classification: Uncertain significance for COL4A1-related condition. Last evaluated: 2022-11-08. Review status: criteria provided, single submitter. Criteria: ACMG Guidelines, 2015. Collection method: clinical testing. Allele origin: germline.
Comment: The COL4A1 c.1796A>G variant is predicted to result in the amino acid substitution p.Asp599Gly. To our knowledge, this variant has not been reported in the literature or in a large population database, indicating this variant is rare. At this time, the clinical significance of this variant is uncertain due to the absence of conclusive functional and genetic evidence.